The following is an entry in ClinVar:

NM_006904.7(PRKDC):c.4795G>C (p.Gly1599Arg)

Gene: PRKDC (protein kinase, DNA-activated, catalytic subunit; minus strand). Cytogenetic location: 8q11.21.
Variant type: single nucleotide variant.
Coding change: c.4795G>C on transcript NM_006904.7 (MANE Select); coding-DNA position 4795, G replaced by C.
Protein change: p.Gly1599Arg; replaces glycine 1599 with arginine.
Molecular consequence: missense variant.
Genome position (GRCh38, 1-based): chr8:47,882,079, C>G on the plus strand (G>C on the coding strand, the complement: PRKDC is on the minus strand). VCF-style: chr8-47882079-C-G. GRCh37 (hg19) VCF-style: chr8-48794640-C-G.
Other names: c.4795G>C, p.Gly1599Arg (NM_001081640.2); short protein forms G1599R.
Identifiers: ClinVar variation 3425394 (VCV003425394.1).

ClinVar aggregate classification (germline): Uncertain significance (1 of 4 stars; one submission).

gnomAD v4.1: 1 of 1,612,630 alleles (0.000062%); highest among the groups gnomAD compares: East Asian, 0.0022%; no homozygotes.

Submission:

Ambry Genetics
Classification: Uncertain significance. Last evaluated: 2024-11-08. Review status: criteria provided, single submitter. Criteria: Ambry Variant Classification Scheme 2023. Collection method: clinical testing. Allele origin: germline.
Comment: The p.G1599R variant (also known as c.4795G>C), located in coding exon 37 of the PRKDC gene, results from a G to C substitution at nucleotide position 4795. The glycine at codon 1599 is replaced by arginine, an amino acid with dissimilar properties. This amino acid position is conserved. In addition, the in silico prediction for this alteration is inconclusive. Based on the available evidence, the clinical significance of this variant remains unclear.